The following is an entry in ClinVar:

NM_002049.4(GATA1):c.416A>G (p.Glu139Gly)

Gene: GATA1 (GATA binding protein 1; plus strand). Cytogenetic location: Xp11.23.
Variant type: single nucleotide variant.
Coding change: c.416A>G on transcript NM_002049.4 (MANE Select); coding-DNA position 416, A replaced by G.
Protein change: p.Glu139Gly; replaces glutamic acid 139 with glycine.
Molecular consequence: missense variant.
Genome position (GRCh38, 1-based): chrX:48,792,039, A>G. VCF-style: chrX-48792039-A-G. GRCh37 (hg19) VCF-style: chrX-48650446-A-G.
Other names: short protein forms E139G.
Identifiers: ClinVar variation 2156120 (VCV002156120.4), dbSNP rs1402472937, ClinGen allele CA412869015.

ClinVar aggregate classification (germline): Uncertain significance (1 of 4 stars; one submission).

Conditions:
GATA binding protein 1 related thrombocytopenia with dyserythropoiesis. Also called: GATA1-Related X-Linked Cytopenia; GATA1-Related Cytopenia. Identifiers: MedGen C1845837, MONDO:0100089.
Diamond-Blackfan anemia. Also called: Blackfan Diamond syndrome; Aregenerative anemia chronic congenital; Red cell aplasia, pure hereditary; Congenital hypoplastic anemia; Aase syndrome. Identifiers: Orphanet 124, MedGen C1260899, MeSH D029503, MONDO:0015253, HP:0004810.

Allele frequency attached by ClinVar (database versions not stated): TOPMed below 0.00001; gnomAD 0.00001.
gnomAD v4.1: 1 of 1,209,957 alleles (0.000083%); highest among the groups gnomAD compares: Non-Finnish European, 0.00011%; no homozygotes.

Submission:

Labcorp Genetics (formerly Invitae), Labcorp
Classification: Uncertain significance for GATA binding protein 1 related thrombocytopenia with dyserythropoiesis; Diamond-Blackfan anemia. Last evaluated: 2022-08-20. Review status: criteria provided, single submitter. Criteria: Invitae Variant Classification Sherloc (09022015). Collection method: clinical testing. Allele origin: germline.
Comment: In summary, the available evidence is currently insufficient to determine the role of this variant in disease. Therefore, it has been classified as a Variant of Uncertain Significance. Algorithms developed to predict the effect of missense changes on protein structure and function are either unavailable or do not agree on the potential impact of this missense change (SIFT: "Tolerated"; PolyPhen-2: "Probably Damaging"; Align-GVGD: "Class C0"). This variant has not been reported in the literature in individuals affected with GATA1-related conditions. This variant is not present in population databases (gnomAD no frequency). This sequence change replaces glutamic acid, which is acidic and polar, with glycine, which is neutral and non-polar, at codon 139 of the GATA1 protein (p.Glu139Gly).